The following is an entry in ClinVar:

NM_000260.4(MYO7A):c.2945T>C (p.Leu982Pro)

Gene: MYO7A (myosin VIIA; plus strand). Cytogenetic location: 11q13.5.
Variant type: single nucleotide variant.
Coding change: c.2945T>C on transcript NM_000260.4 (MANE Select); coding-DNA position 2945, T replaced by C.
Protein change: p.Leu982Pro; replaces leucine 982 with proline.
Molecular consequence: missense variant.
Genome position (GRCh38, 1-based): chr11:77,181,991, T>C. VCF-style: chr11-77181991-T-C. GRCh37 (hg19) VCF-style: chr11-76893037-T-C.
Other names: c.2945T>C, p.Leu982Pro (NM_001127180.2); c.2912T>C, p.Leu971Pro (NM_001369365.1); short protein forms L982P, L971P.
Identifiers: ClinVar variation 1387667 (VCV001387667.6), dbSNP rs1197258252, ClinGen allele CA381943844.

ClinVar aggregate classification (germline): Uncertain significance (1 of 4 stars; one submission).

Allele frequency attached by ClinVar (database versions not stated): gnomAD exomes below 0.00001; gnomAD 0.00001; TOPMed 0.00002.
gnomAD v4.1: 3 of 1,613,136 alleles (0.00019%); highest among the groups gnomAD compares: African/African-American, 0.004%; no homozygotes.

Submission:

Labcorp Genetics (formerly Invitae), Labcorp
Classification: Uncertain significance. Last evaluated: 2022-06-13. Review status: criteria provided, single submitter. Criteria: Invitae Variant Classification Sherloc (09022015). Collection method: clinical testing. Allele origin: germline.
Comment: In summary, the available evidence is currently insufficient to determine the role of this variant in disease. Therefore, it has been classified as a Variant of Uncertain Significance. Algorithms developed to predict the effect of missense changes on protein structure and function are either unavailable or do not agree on the potential impact of this missense change (SIFT: "Deleterious"; PolyPhen-2: "Possibly Damaging"; Align-GVGD: "Class C0"). This variant has not been reported in the literature in individuals affected with MYO7A-related conditions. This variant is not present in population databases (gnomAD no frequency). This sequence change replaces leucine, which is neutral and non-polar, with proline, which is neutral and non-polar, at codon 982 of the MYO7A protein (p.Leu982Pro).